The following is an entry in ClinVar:

ClinVar aggregate classification (germline): Uncertain significance. Review status: criteria provided, multiple submitters, no conflicts (2 of 4 stars). 2 submissions from 2 submitters: Uncertain significance (2). Last evaluated 2023-10-27.

Conditions:
Hyperparathyroidism 1 (HRPT1). Also called: HYPERPARATHYROIDISM, FAMILIAL ISOLATED PRIMARY. Identifiers: Orphanet 99879, MedGen C1840402, MONDO:0007767, OMIM 145000.
Parathyroid carcinoma (PRTC). Also called: Parathyroid gland carcinoma; CDC73-Related Parathyroid Carcinoma. Identifiers: Orphanet 143, MedGen C0687150, MONDO:0012004, OMIM 608266, HP:0006780.

Submissions (2):

Baylor Genetics
Classification: Uncertain significance for Hyperparathyroidism 1. Last evaluated: 2023-10-27. Review status: criteria provided, single submitter. Criteria: ACMG Guidelines, 2015. Collection method: clinical testing. Allele origin: unknown.

Labcorp Genetics (formerly Invitae), Labcorp
Classification: Uncertain significance for Parathyroid carcinoma. Last evaluated: 2023-05-02. Review status: criteria provided, single submitter. Criteria: Invitae Variant Classification Sherloc (09022015). Collection method: clinical testing. Allele origin: germline.
Comment: In summary, the available evidence is currently insufficient to determine the role of this variant in disease. Therefore, it has been classified as a Variant of Uncertain Significance. Advanced modeling of protein sequence and biophysical properties (such as structural, functional, and spatial information, amino acid conservation, physicochemical variation, residue mobility, and thermodynamic stability) performed at Invitae indicates that this missense variant is not expected to disrupt CDC73 protein function. ClinVar contains an entry for this variant (Variation ID: 1357038). This variant has not been reported in the literature in individuals affected with CDC73-related conditions. This variant is not present in population databases (gnomAD no frequency). This sequence change replaces threonine, which is neutral and polar, with isoleucine, which is neutral and non-polar, at codon 368 of the CDC73 protein (p.Thr368Ile).

NM_024529.5(CDC73):c.1103C>T (p.Thr368Ile)

Gene: CDC73 (cell division cycle 73; plus strand). Cytogenetic location: 1q31.2.
Variant type: single nucleotide variant.
Coding change: c.1103C>T on transcript NM_024529.5 (MANE Select); coding-DNA position 1103, C replaced by T.
Protein change: p.Thr368Ile; replaces threonine 368 with isoleucine.
Molecular consequence: missense variant.
Genome position (GRCh38, 1-based): chr1:193,212,426, C>T. VCF-style: chr1-193212426-C-T. GRCh37 (hg19) VCF-style: chr1-193181556-C-T.
Other names: short protein forms T368I.
Identifiers: ClinVar variation 1357038 (VCV001357038.9), dbSNP rs2102038553, ClinGen allele CA344077584.